The following is an entry in ClinVar:

ClinVar aggregate classification (germline): Likely benign (1 of 4 stars; one submission).

Allele frequency attached by ClinVar (database versions not stated): gnomAD 0.00845 and 0.00893; 1000 Genomes Project 0.00954; TOPMed 0.00982; 1000 Genomes Project 30x 0.01061.
gnomAD v4.1: 940 of 112,552 alleles (0.84%); highest among the groups gnomAD compares: African/African-American, 2.9%; 11 homozygotes.

Submission:

GeneDx
Classification: Likely benign. Last evaluated: 2018-06-14. Review status: criteria provided, single submitter. Criteria: GeneDx Variant Classification (06012015). Collection method: clinical testing. Allele origin: germline. Affected: yes.
Comment: This variant is considered likely benign or benign based on one or more of the following criteria: it is a conservative change, it occurs at a poorly conserved position in the protein, it is predicted to be benign by multiple in silico algorithms, and/or has population frequency not consistent with disease.

NM_004208.4(AIFM1):c.605+262T>G

Genes: AIFM1 (apoptosis inducing factor mitochondria associated 1; minus strand), RAB33A (RAB33A, member RAS oncogene family; plus strand), LOC126863317 (MED14-independent group 3 enhancer GRCh37_chrX:129280263-129281462; plus strand). Cytogenetic location: Xq26.1.
Variant type: single nucleotide variant.
Coding change: c.605+262T>G on transcript NM_004208.4 (MANE Select); 262 bases into the intron after coding-DNA position 605, T replaced by G.
Molecular consequence: intron variant.
Genome position (GRCh38, 1-based): chrX:130,147,231, A>C on the plus strand (T>G on the coding strand, the complement: AIFM1 is on the minus strand). VCF-style: chrX-130147231-A-C. GRCh37 (hg19) VCF-style: chrX-129281206-A-C.
Other names: c.593+262T>G (NM_145812.3); c.605+262T>G (NM_001130847.4).
Identifiers: ClinVar variation 673080 (VCV000673080.1), dbSNP rs139842860, ClinGen allele CA335122733.
Genomic context (GRCh38, chrX:130,147,231, plus strand): 5'-AAAAATAAAAAAAGAAGTGACAATACAGGCCAAGTTGATCTTCACCTAAAGAAGCTTAAC[A>C]TAAAGGTTCCAGAAATAGGAGCATTAGTATTTCAGAGGCCAACATTACACCATCAACTGT-3'